The following is an entry in ClinVar:

NM_022915.5(MRPL44):c.8C>T (p.Ser3Phe)

Genes: MRPL44 (mitochondrial ribosomal protein L44; plus strand), LOC129935704 (ATAC-STARR-seq lymphoblastoid active region 17184; plus strand). Cytogenetic location: 2q36.1.
Variant type: single nucleotide variant.
Coding change: c.8C>T on transcript NM_022915.5 (MANE Select); coding-DNA position 8, C replaced by T.
Protein change: p.Ser3Phe; replaces serine 3 with phenylalanine.
Molecular consequence: missense variant.
Genome position (GRCh38, 1-based): chr2:223,957,480, C>T. VCF-style: chr2-223957480-C-T. GRCh37 (hg19) VCF-style: chr2-224822197-C-T.
Other names: short protein forms S3F.
Identifiers: ClinVar variation 3777497 (VCV003777497.1).

ClinVar aggregate classification (germline): Uncertain significance (1 of 4 stars; one submission).

gnomAD v4.1: 27 of 1,614,040 alleles (0.0017%); highest among the groups gnomAD compares: African/African-American, 0.029%; no homozygotes.

Submission:

GeneDx
Classification: Uncertain significance. Last evaluated: 2024-10-09. Review status: criteria provided, single submitter. Criteria: GeneDx Variant Classification Process June 2021. Collection method: clinical testing. Allele origin: germline. Affected: yes.
Comment: In silico analysis indicates that this missense variant does not alter protein structure/function; Has not been previously published as pathogenic or benign to our knowledge